The following is an entry in ClinVar:

ClinVar aggregate classification (germline): Conflicting classifications of pathogenicity. Review status: criteria provided, conflicting classifications (1 of 4 stars). 18 submissions from 18 submitters: Uncertain significance (1); Benign (5); Likely benign (10). 2 of the submissions do not count toward it. Last evaluated 2026-02-03.

Conditions:
Breast and/or ovarian cancer. Identifiers: MedGen CN221562.
Hereditary cancer-predisposing syndrome. Also called: Tumor predisposition; Hereditary neoplastic syndrome; Hereditary Cancer Syndrome; Neoplastic Syndromes, Hereditary. Identifiers: Orphanet 140162, MedGen C0027672, MeSH D009386, MONDO:0015356.
Hereditary diffuse gastric adenocarcinoma (HDGC). Also called: DIFFUSE GASTRIC AND LOBULAR BREAST CANCER SYNDROME. Identifiers: Orphanet 26106, MedGen C1708349, MONDO:0007648, OMIM 137215.
Malignant tumor of breast. Also called: Cancer breast; Malignant breast neoplasm. Identifiers: MedGen C0006142, MONDO:0007254. Disease mechanism: loss of function.

Allele frequency attached by ClinVar (database versions not stated): ExAC 0.00016; gnomAD exomes 0.00016 and 0.00034; 1000 Genomes Project 0.00020; gnomAD 0.00021 and 0.00022; TOPMed 0.00026; 1000 Genomes Project 30x 0.00031; ESP Exome Variant Server 0.00038.
gnomAD v4.1: 530 of 1,614,164 alleles (0.033%); highest among the groups gnomAD compares: Non-Finnish European, 0.041%; no homozygotes.

Submissions (18):

Labcorp Genetics (formerly Invitae), Labcorp
Classification: Likely benign for Hereditary diffuse gastric adenocarcinoma. Last evaluated: 2026-02-03. Review status: criteria provided, single submitter. Criteria: Invitae Variant Classification Sherloc (09022015). Collection method: clinical testing. Allele origin: germline.

Mayo Clinic Laboratories, Mayo Clinic
Classification: Likely benign. Last evaluated: 2025-12-03. Review status: criteria provided, single submitter. Criteria: ACMG Guidelines, 2015. Collection method: clinical testing. Allele origin: germline. Observed: 1 variant allele.
Comment: BP4, BP7

ARUP Laboratories, Molecular Genetics and Genomics, ARUP Laboratories
Classification: Likely benign. Last evaluated: 2025-07-11. Review status: criteria provided, single submitter. Criteria: ARUP Molecular Germline Variant Investigation Process 2024. Collection method: clinical testing. Allele origin: germline.

Institute for Biomarker Research, Medical Diagnostic Laboratories, L.L.C.
Classification: Likely benign for Hereditary cancer-predisposing syndrome. Last evaluated: 2025-03-05. Review status: criteria provided, single submitter. Criteria: ACMG Guidelines, 2015. Collection method: clinical testing. Allele origin: germline.
Comment: The synonymous variant NM_004360.5(CDH1):c.2589C>T (p.Asn863=) has not been reported previously as a pathogenic variant, to our knowledge. The variant is observed in one or more well-documented healthy adults. The p.Asn863= variant is not predicted to disrupt an existing splice site. The p.Asn863= variant results in a substitution of a base that is not predicted conserved by GERP++ and PhyloP. For these reasons, this variant has been classified as Likely Benign

Center for Genomic Medicine, Rigshospitalet, Copenhagen University Hospital
Classification: Likely benign. Last evaluated: 2025-03-04. Review status: criteria provided, single submitter. Criteria: ACMG Guidelines, 2015. Collection method: clinical testing. Allele origin: germline.

CeGaT Center for Human Genetics Tuebingen
Classification: Likely benign. Last evaluated: 2023-11-01. Review status: criteria provided, single submitter. Criteria: CeGaT Center For Human Genetics Tuebingen Variant Classification Criteria Version 2. Collection method: clinical testing. Allele origin: germline. Affected: yes. Observed: 1 variant allele.
Comment: CDH1: BP4, BP7

Quest Diagnostics Nichols Institute San Juan Capistrano
Classification: Benign. Last evaluated: 2023-08-24. Review status: criteria provided, single submitter. Criteria: Quest Diagnostics criteria. Collection method: clinical testing. Allele origin: unknown.

Myriad Genetics, Inc.
Classification: Benign for Hereditary diffuse gastric adenocarcinoma. Last evaluated: 2023-03-06. Review status: criteria provided, single submitter. Criteria: Myriad Autosomal Dominant, Autosomal Recessive and X-Linked Classification Criteria (2023). Collection method: clinical testing. Allele origin: unknown.
Comment: This variant is considered benign. This variant is a silent/synonymous amino acid change and it is not expected to impact splicing.

European Reference Network on Genetic Tumour Risk Syndromes (ERN-GENTURIS), i3s - Instituto de Investigação e Inovação em Saúde, University of Porto
Classification: Uncertain significance for Hereditary diffuse gastric adenocarcinoma. Last evaluated: 2022-08-01. Review status: criteria provided, single submitter. Criteria: Lee et al. (Hum Mutat. 2018). Collection method: clinical testing. Allele origin: germline. Inheritance: Autosomal dominant inheritance. Affected: no. Study: ERN GENTURIS.
Comment: BP7 (PMID: 30311375)

CHEO Genetics Diagnostic Laboratory, Children's Hospital of Eastern Ontario
Classification: Likely benign for Breast and/or ovarian cancer. Last evaluated: 2021-09-03. Review status: criteria provided, single submitter. Criteria: ACMG Guidelines, 2015. Collection method: clinical testing. Allele origin: germline.

Sema4
Classification: Benign for Hereditary cancer-predisposing syndrome. Last evaluated: 2020-12-02. Review status: criteria provided, single submitter. Criteria: Sema4 Curation Guidelines. Collection method: curation. Allele origin: germline.

Illumina Laboratory Services, Illumina
Classification: Likely benign for Hereditary diffuse gastric adenocarcinoma. Last evaluated: 2018-01-13. Review status: criteria provided, single submitter. Criteria: ICSL Variant Classification Criteria 13 December 2019. Collection method: clinical testing. Allele origin: germline.
Comment: This variant was observed in the ICSL laboratory as part of a predisposition screen in an ostensibly healthy population. It had not been previously curated by ICSL or reported in the Human Gene Mutation Database (HGMD: prior to June 1st, 2018), and was therefore a candidate for classification through an automated scoring system. Utilizing variant allele frequency, disease prevalence and penetrance estimates, and inheritance mode, an automated score was calculated to assess if this variant is too frequent to cause the disease. Based on the score and internal cut-off values, a variant classified as likely benign is not then subjected to further curation. The score for this variant resulted in a classification of likely benign for this disease.

Women's Health and Genetics/Laboratory Corporation of America, LabCorp
Classification: Benign. Last evaluated: 2016-08-08. Review status: criteria provided, single submitter. Criteria: LabCorp Variant Classification Summary - May 2015. Collection method: clinical testing. Allele origin: germline.
Comment: Variant summary: The c.2589C>T (p.Asn863=) in CDH1 gene is a synonymous change that involves a non-conserved nucleotide. The variant is present in the control population dataset of ExAC at frequency of 0.00016 (19/121410 chrs tested). This frequency exceeds the maximal expected frequency of a pathogenic allele (0.000028) in this gene. The variant of interest was cited as Likely Benign/Benign by reputable database/clinical laboratories. Taking together, the variant was classified as Benign.

Color Diagnostics, LLC DBA Color Health
Classification: Likely benign for Hereditary cancer-predisposing syndrome. Last evaluated: 2015-06-15. Review status: criteria provided, single submitter. Criteria: ACMG Guidelines, 2015. Collection method: clinical testing. Allele origin: germline.

Ambry Genetics
Classification: Likely benign for Hereditary cancer-predisposing syndrome. Last evaluated: 2014-08-14. Review status: criteria provided, single submitter. Criteria: Ambry Variant Classification Scheme 2023. Collection method: clinical testing. Allele origin: germline.

GeneDx
Classification: Benign. Last evaluated: 2013-12-18. Review status: criteria provided, single submitter. Criteria: GeneDx Variant Classification (06012015). Collection method: clinical testing. Allele origin: germline. Affected: yes.
Comment: This variant is considered likely benign or benign based on one or more of the following criteria: it is a conservative change, it occurs at a poorly conserved position in the protein, it is predicted to be benign by multiple in silico algorithms, and/or has population frequency not consistent with disease.

Counsyl
Classification: Likely benign for Hereditary diffuse gastric adenocarcinoma. Last evaluated: 2015-12-04. Review status: no assertion criteria provided. Collection method: clinical testing. Allele origin: unknown. Not counted in ClinVar's aggregate classification.

Department of Pathology and Laboratory Medicine, Sinai Health System
Classification: Likely benign for Malignant tumor of breast. Review status: no assertion criteria provided. Collection method: clinical testing. Allele origin: unknown. Affected: yes. Study: The Canadian Open Genetics Repository (COGR). Not counted in ClinVar's aggregate classification.
Comment: The CDH1 p.Asn863= variant was not identified in the literature nor was it identified in the Cosmic, MutDB, Zhejiang Colon Cancer Database. The variant was identified in dbSNP (ID: rs115817750) as With Likely benign, Uncertain significance allele, ClinVar (classified as likely benign by Invitae, Ambry Genetics, Counsyl, Color Genomics; classified as benign by GeneDx, IGLCA). The variant was identified in control databases in 49 of 277226 chromosomes at a frequency of 0.0002 (Genome Aggregation Database Feb 27, 2017). It was observed in the following populations: African in 8 of 24032 chromosomes (freq: 0.0003), European in 37 of 126712 chromosomes (freq: 0.0003), East Asian in 4 of 18870 chromosomes (freq: 0.0002); it was not observed in the Other, Latino, Ashkenazi Jewish, Finnish, and South Asian populations. The p.Asn863= variant is not expected to have clinical significance because it does not result in a change of amino acid and is not located in a known consensus splice site. In addition, in silico or computational prediction software programs (SpliceSiteFinder, MaxEntScan, NNSPLICE, GeneSplicer, HumanSpliceFinder) do not predict a difference in splicing. In summary, based on the above information, the clinical significance of this variant cannot be determined with certainty at this time although we would lean towards a more benign role for this variant. This variant is classified as likely benign.

Literature cited by the submitters: PubMed 36436516 (cited by Quest Diagnostics Nichols Institute San Juan Capistrano and European Reference Network on Genetic Tumour Risk Syndromes (ERN-GENTURIS), i3s - Instituto de Investigação e Inovação em Saúde, University of Porto).

NM_004360.5(CDH1):c.2589C>T (p.Asn863=)

Gene: CDH1 (cadherin 1; plus strand). Cytogenetic location: 16q22.1.
Variant type: single nucleotide variant.
Coding change: c.2589C>T on transcript NM_004360.5 (MANE Select); coding-DNA position 2589, C replaced by T.
Protein change: p.Asn863=; no amino-acid change (asparagine 863 retained).
Molecular consequence: synonymous variant.
Genome position (GRCh38, 1-based): chr16:68,833,439, C>T. VCF-style: chr16-68833439-C-T. GRCh37 (hg19) VCF-style: chr16-68867342-C-T.
Other names: p.N863N:AAC>AAT; p.Asn863=; c.2589C>T (LRG_301t1); c.2406C>T, p.Asn802= (NM_001317184.2); c.1041C>T, p.Asn347= (NM_001317185.2); c.624C>T, p.Asn208= (NM_001317186.2).
Identifiers: ClinVar variation 136067 (VCV000136067.57), dbSNP rs115817750, ClinGen allele CA290018.